The following is an entry in ClinVar:

ClinVar aggregate classification (germline): Uncertain significance. Review status: criteria provided, single submitter (1 of 4 stars). 2 submissions from 2 submitters: Uncertain significance (1). 1 of the submissions does not count toward it. Last evaluated 2020-12-16.

Conditions:
KIDINS220-related disorder. Also called: KIDINS220-related condition.
Spastic paraplegia, intellectual disability, nystagmus, and obesity. Also called: Spastic paraplegia, intellectual disability, nystagmus, and obesity;. Identifiers: Orphanet 521390, MedGen C4284592, MONDO:0015007, OMIM 617296.

Allele frequency attached by ClinVar (database versions not stated): ExAC 0.00002; gnomAD 0.00004; TOPMed 0.00012; ESP Exome Variant Server 0.00017.
gnomAD v4.1: 14 of 1,611,222 alleles (0.00087%); highest among the groups gnomAD compares: African/African-American, 0.008%; no homozygotes.

Submissions (2):

New York Genome Center
Classification: Uncertain significance for Spastic paraplegia, intellectual disability, nystagmus, and obesity. Last evaluated: 2020-12-16. Review status: criteria provided, single submitter. Criteria: NYGC Assertion Criteria 2020. Collection method: clinical testing. Allele origin: germline. Observed: 1 heterozygote.

PreventionGenetics, part of Exact Sciences
Classification: Uncertain significance for KIDINS220-related condition. Last evaluated: 2023-12-23. Review status: no assertion criteria provided. Collection method: clinical testing. Allele origin: germline. Not counted in ClinVar's aggregate classification.
Comment: The KIDINS220 c.560A>G variant is predicted to result in the amino acid substitution p.Lys187Arg. To our knowledge, this variant has not been reported in the literature. This variant is reported in 0.019% of alleles in individuals of African descent in gnomAD. At this time, the clinical significance of this variant is uncertain due to the absence of conclusive functional and genetic evidence.

NM_020738.4(KIDINS220):c.560A>G (p.Lys187Arg)

Gene: KIDINS220 (kinase D interacting substrate 220; minus strand). Cytogenetic location: 2p25.1.
Variant type: single nucleotide variant.
Coding change: c.560A>G on transcript NM_020738.4 (MANE Select); coding-DNA position 560, A replaced by G.
Protein change: p.Lys187Arg; replaces lysine 187 with arginine.
Molecular consequence: missense variant. On other transcripts: non-coding transcript variant (2).
Genome position (GRCh38, 1-based): chr2:8,806,314, T>C on the plus strand (A>G on the coding strand, the complement: KIDINS220 is on the minus strand). VCF-style: chr2-8806314-T-C. GRCh37 (hg19) VCF-style: chr2-8946444-T-C.
Other names: c.563A>G, p.Lys188Arg (NM_001348729.2, NM_001348731.2, NM_001348734.2 and 3 more transcripts); c.560A>G, p.Lys187Arg (NM_001348732.2, NM_001348735.2, NM_001348738.2 and 3 more transcripts); c.434A>G, p.Lys145Arg (NM_001348736.2); c.560A>G (NM_020738.2); short protein forms K145R, K187R, K188R.
Identifiers: ClinVar variation 1803914 (VCV001803914.2), dbSNP rs368553342, ClinGen allele CA1520396.